The following is an entry in ClinVar:

ClinVar aggregate classification (germline): Uncertain significance (1 of 4 stars; one submission).

Conditions:
Neurodevelopmental disorder with or without anomalies of the brain, eye, or heart (NEDBEH). Identifiers: Orphanet 494344, MedGen C5567477, MONDO:0014857, OMIM 616975.

gnomAD v4.1: 82 of 1,436,408 alleles (0.0057%); highest among the groups gnomAD compares: East Asian, 0.013%; no homozygotes.

Submission:

Juno Genomics, Hangzhou Juno Genomics, Inc
Classification: Uncertain significance for Neurodevelopmental disorder with or without anomalies of the brain, eye, or heart. Review status: criteria provided, single submitter. Criteria: ACMG Guidelines, 2015. Collection method: clinical testing. Allele origin: germline. Affected: yes.
Comment: Absent from controls (or at extremely low frequency if recessive) in Genome Aggregation Database, Exome Sequencing Project, 1000 Genomes Project, or Exome Aggregation Consortium.

NM_001042681.2(RERE):c.2498C>T (p.Ala833Val)

Gene: RERE (arginine-glutamic acid dipeptide repeats; minus strand). Cytogenetic location: 1p36.23.
Variant type: single nucleotide variant.
Coding change: c.2498C>T on transcript NM_001042681.2 (MANE Select); coding-DNA position 2498, C replaced by T.
Protein change: p.Ala833Val; replaces alanine 833 with valine.
Molecular consequence: missense variant.
Genome position (GRCh38, 1-based): chr1:8,361,009, G>A on the plus strand (C>T on the coding strand, the complement: RERE is on the minus strand). VCF-style: chr1-8361009-G-A. GRCh37 (hg19) VCF-style: chr1-8421069-G-A.
Other names: c.836C>T, p.Ala279Val (NM_001042682.2); c.2498C>T, p.Ala833Val (NM_012102.4); short protein forms A279V, A833V.
Identifiers: ClinVar variation 3382511 (VCV003382511.2).
Genomic context (GRCh38, chr1:8,361,009, plus strand): 5'-CCGGGTGGGCCCTGACCGTGCAGTGGGGGCTGGGCATGAGAGGGTGCAGAAGGCTGGCCC[G>A]CCGACCCAGTCAGAGGCTGCAGCGGGGGATGTGGCGAGGGATGCGGCGGGGGATGCGGTG-3'
Protein context (NP_001036146.1, residues 823-843): HPPLQPLTGS[Ala833Val]GQPSAPSHAQ